The following is an entry in ClinVar:

ClinVar aggregate classification (germline): Benign. Review status: criteria provided, multiple submitters, no conflicts (2 of 4 stars). 6 submissions from 6 submitters: Benign (5). 1 of the submissions does not count toward it. Last evaluated 2026-02-03.

Conditions:
Spinocerebellar ataxia type 26 (SCA26). Identifiers: Orphanet 101112, MedGen C1836395, MONDO:0012246, OMIM 609306.

Allele frequency attached by ClinVar (database versions not stated): gnomAD exomes 0.81639 and 0.84700; ExAC 0.84985; gnomAD 0.86130 and 0.86186; TOPMed 0.86975; 1000 Genomes Project 0.91314; ESP Exome Variant Server 0.85348; 1000 Genomes Project 30x 0.91271.
gnomAD v4.1: 1,302,662 of 1,586,364 alleles (82%); highest among the groups gnomAD compares: East Asian, 99%; 536,821 homozygotes.

Submissions (6):

Labcorp Genetics (formerly Invitae), Labcorp
Classification: Benign. Last evaluated: 2026-02-03. Review status: criteria provided, single submitter. Criteria: Invitae Variant Classification Sherloc (09022015). Collection method: clinical testing. Allele origin: germline.

Genome-Nilou Lab
Classification: Benign for Spinocerebellar ataxia type 26. Last evaluated: 2021-07-30. Review status: criteria provided, single submitter. Criteria: ACMG Guidelines, 2015. Collection method: clinical testing. Allele origin: germline. Affected: no.

Athena Diagnostics
Classification: Benign. Last evaluated: 2019-07-15. Review status: criteria provided, single submitter. Criteria: Athena Diagnostics Criteria. Collection method: clinical testing. Allele origin: germline.

GeneDx
Classification: Benign. Last evaluated: 2018-10-11. Review status: criteria provided, single submitter. Criteria: GeneDx Variant Classification Process June 2021. Collection method: clinical testing. Allele origin: germline. Affected: yes.

Breakthrough Genomics
Classification: Benign. Review status: criteria provided, single submitter. Criteria: ACMG Guidelines, 2015. Collection method: not provided. Allele origin: germline. Inheritance: Autosomal dominant inheritance. Affected: yes.

Genetic Services Laboratory, University of Chicago
Classification: Likely benign for AllHighlyPenetrant. Review status: no assertion criteria provided. Collection method: clinical testing. Allele origin: germline. Inheritance: Autosomal dominant inheritance. Not counted in ClinVar's aggregate classification.
Comment: Likely benign based on allele frequency in 1000 Genomes Project or ESP global frequency and its presence in a patient with a rare or unrelated disease phenotype. NOT Sanger confirmed.

NM_001961.4(EEF2):c.2190T>C (p.Tyr730=)

Genes: EEF2 (eukaryotic translation elongation factor 2; minus strand), LOC130063169 (ATAC-STARR-seq lymphoblastoid active region 13746; plus strand). Cytogenetic location: 19p13.3.
Variant type: single nucleotide variant.
Coding change: c.2190T>C on transcript NM_001961.4 (MANE Select); coding-DNA position 2190, T replaced by C.
Protein change: p.Tyr730=; no amino-acid change (tyrosine 730 retained).
Molecular consequence: synonymous variant.
Genome position (GRCh38, 1-based): chr19:3,977,488, A>G on the plus strand (T>C on the coding strand, the complement: EEF2 is on the minus strand). VCF-style: chr19-3977488-A-G. GRCh37 (hg19) VCF-style: chr19-3977486-A-G.
Identifiers: ClinVar variation 128959 (VCV000128959.16), dbSNP rs36527, ClinGen allele CA214488.
Genomic context (GRCh38, chr19:3,977,488, plus strand): 5'-CTGGATCTCCACAAGGTAGATGGGCTCCATGAGGCGTGGCTGGGCGGTCAGCACACTGGC[A>G]TAGAGGCAGCGCCGTGCTGTGGGGATGATCTGGCCCCCTCCGCGGTGGATGGCGTCGGCG-3'
Protein context (NP_001952.1, residues 720-740): QIIPTARRCL[Tyr730=]ASVLTAQPRL